The following is an entry in ClinVar:

ClinVar aggregate classification (germline): Uncertain significance (1 of 4 stars; one submission).

gnomAD v4.1: 2 of 1,609,026 alleles (0.00012%); highest among the groups gnomAD compares: Admixed American, 0.0033%; no homozygotes.

Submission:

GeneDx
Classification: Uncertain significance. Last evaluated: 2025-04-21. Review status: criteria provided, single submitter. Criteria: GeneDx Variant Classification Process June 2021. Collection method: clinical testing. Allele origin: germline. Affected: yes.
Comment: Not observed at significant frequency in large population cohorts (gnomAD); In silico analysis indicates that this missense variant does not alter protein structure/function; Has not been previously published as pathogenic or benign to our knowledge

NM_182925.5(FLT4):c.82A>G (p.Thr28Ala)

Gene: FLT4 (fms related receptor tyrosine kinase 4; minus strand). Cytogenetic location: 5q35.3.
Variant type: single nucleotide variant.
Coding change: c.82A>G on transcript NM_182925.5 (MANE Select); coding-DNA position 82, A replaced by G.
Protein change: p.Thr28Ala; replaces threonine 28 with alanine.
Molecular consequence: missense variant.
Genome position (GRCh38, 1-based): chr5:180,631,755, T>C on the plus strand (A>G on the coding strand, the complement: FLT4 is on the minus strand). VCF-style: chr5-180631755-T-C. GRCh37 (hg19) VCF-style: chr5-180058755-T-C.
Other names: c.82A>G, p.Thr28Ala (NM_001354989.2, NM_002020.5); short protein forms T28A.
Identifiers: ClinVar variation 4527451 (VCV004527451.1).